The following is an entry in ClinVar:

ClinVar aggregate classification (germline): Uncertain significance (1 of 4 stars; one submission).

Conditions:
Tietz syndrome (TADS). Also called: ALBINISM-DEAFNESS OF TIETZ; HYPOPIGMENTATION/DEAFNESS OF TIETZ; TIETZ ALBINISM-DEAFNESS SYNDROME. Identifiers: Orphanet 42665, MedGen C0391816, MONDO:0007077, OMIM 103500.
Waardenburg syndrome type 2A (WS2A). Also called: WAARDENBURG SYNDROME WITHOUT DYSTOPIA CANTHORUM. Identifiers: Orphanet 3440, MedGen C1860339, MONDO:0008671, OMIM 193510.
Melanoma, cutaneous malignant, susceptibility to, 8. Also called: MELANOMA AND RENAL CELL CARCINOMA, SUSCEPTIBILITY TO; Cutaneous malignant melanoma 8. Identifiers: Orphanet 293822, MedGen C3152204, MONDO:0013759, OMIM 614456.

gnomAD v4.1: 1 of 1,613,902 alleles (0.000062%); highest among the groups gnomAD compares: Non-Finnish European, 0.000085%; no homozygotes.

Submission:

Labcorp Genetics (formerly Invitae), Labcorp
Classification: Uncertain significance for Melanoma, cutaneous malignant, susceptibility to, 8; Waardenburg syndrome type 2A; Tietz syndrome. Last evaluated: 2025-07-30. Review status: criteria provided, single submitter. Criteria: Invitae Variant Classification Sherloc (09022015). Collection method: clinical testing. Allele origin: germline.
Comment: This sequence change replaces serine, which is neutral and polar, with threonine, which is neutral and polar, at codon 395 of the MITF protein (p.Ser395Thr). This variant is present in population databases (no rsID available, gnomAD 0.0009%). This variant has not been reported in the literature in individuals affected with MITF-related conditions. Invitae Evidence Modeling of protein sequence and biophysical properties (such as structural, functional, and spatial information, amino acid conservation, physicochemical variation, residue mobility, and thermodynamic stability) indicates that this missense variant is not expected to disrupt MITF protein function with a negative predictive value of 80%. In summary, the available evidence is currently insufficient to determine the role of this variant in disease. Therefore, it has been classified as a Variant of Uncertain Significance.

NM_001354604.2(MITF):c.1504T>A (p.Ser502Thr)

Gene: MITF (melanocyte inducing transcription factor; plus strand). Cytogenetic location: 3p13.
Variant type: single nucleotide variant.
Coding change: c.1504T>A on transcript NM_001354604.2 (MANE Select); coding-DNA position 1504, T replaced by A.
Protein change: p.Ser502Thr; replaces serine 502 with threonine.
Molecular consequence: missense variant.
Genome position (GRCh38, 1-based): chr3:69,965,171, T>A. VCF-style: chr3-69965171-T-A. GRCh37 (hg19) VCF-style: chr3-70014322-T-A.
Other names: c.1183T>A, p.Ser395Thr (NM_000248.4); c.1330T>A, p.Ser444Thr (NM_001184967.2, NM_001354608.2); c.1501T>A, p.Ser501Thr (NM_001354605.2); c.1483T>A, p.Ser495Thr (NM_001354606.2, NM_006722.3); c.1435T>A, p.Ser479Thr (NM_001354607.2); c.1165T>A, p.Ser389Thr (NM_198158.3); c.1486T>A, p.Ser496Thr (NM_198159.3); c.1438T>A, p.Ser480Thr (NM_198177.3); and 1 more; short protein forms S495T, S479T, S480T, S496T, S501T, S502T, S389T, S444T.
Identifiers: ClinVar variation 4782452 (VCV004782452.1).